The following is an entry in ClinVar:

NM_000081.4(LYST):c.7142A>G (p.Asn2381Ser)

Gene: LYST (lysosomal trafficking regulator; minus strand). Cytogenetic location: 1q42.3.
Variant type: single nucleotide variant.
Coding change: c.7142A>G on transcript NM_000081.4 (MANE Select); coding-DNA position 7142, A replaced by G.
Protein change: p.Asn2381Ser; replaces asparagine 2381 with serine.
Molecular consequence: missense variant.
Genome position (GRCh38, 1-based): chr1:235,755,565, T>C on the plus strand (A>G on the coding strand, the complement: LYST is on the minus strand). VCF-style: chr1-235755565-T-C. GRCh37 (hg19) VCF-style: chr1-235918865-T-C.
Other names: c.7142A>G, p.Asn2381Ser (NM_001301365.1); short protein forms N2381S.
Identifiers: ClinVar variation 3366702 (VCV003366702.1).

ClinVar aggregate classification (germline): Uncertain significance (1 of 4 stars; one submission).

gnomAD v4.1: 1 of 1,613,458 alleles (0.000062%); highest among the groups gnomAD compares: Non-Finnish European, 0.000085%; no homozygotes.

Submission:

Women's Health and Genetics/Laboratory Corporation of America, LabCorp
Classification: Uncertain significance. Last evaluated: 2024-08-20. Review status: criteria provided, single submitter. Criteria: LabCorp Variant Classification Summary - May 2015. Collection method: clinical testing. Allele origin: germline.
Comment: Variant summary: LYST c.7142A>G (p.Asn2381Ser) results in a conservative amino acid change in the encoded protein sequence. Four of five in-silico tools predict a damaging effect of the variant on protein function. The variant was absent in 251382 control chromosomes. The available data on variant occurrences in the general population are insufficient to allow any conclusion about variant significance. To our knowledge, no occurrence of c.7142A>G in individuals affected with Chediak-Higashi Syndrome and no experimental evidence demonstrating its impact on protein function have been reported. No submitters have cited clinical-significance assessments for this variant to ClinVar. Based on the evidence outlined above, the variant was classified as uncertain significance.